The following is an entry in ClinVar:

NM_001166108.2(PALLD):c.1965-12566_1965-12554delinsA

Gene: PALLD (palladin, cytoskeletal associated protein; plus strand). Cytogenetic location: 4q32.3.
Variant type: Indel.
Coding change: c.1965-12566_1965-12554delinsA on transcript NM_001166108.2 (MANE Select); 12566 bases into the intron before coding-DNA position 1965 through 12554 bases into the intron before coding-DNA position 1965, CGTCAACGCCCTG replaced by A.
Molecular consequence: intron variant. On other transcripts: inframe deletion (1).
Genome position (GRCh38, 1-based): chr4:168,878,356-168,878,368, CGTCAACGCCCTG replaced by A. VCF-style: chr4-168878356-CGTCAACGCCCTG-A. GRCh37 (hg19) VCF-style: chr4-169799507-CGTCAACGCCCTG-A.
Other names: c.819-12566_819-12554delinsA (NM_001166109.2); c.-157-12566_-157-12554delinsA (NM_001367570.1, NM_001367568.1, NM_001367567.1 and 1 more transcripts); c.465_477delinsA, p.Val156_Leu159del (NM_001166110.2); c.1965-12566_1965-12554delinsA (NM_016081.4).
Identifiers: ClinVar variation 4564138 (VCV004564138.1).

ClinVar aggregate classification (germline): Uncertain significance (1 of 4 stars; one submission).

Submission:

Ambry Genetics
Classification: Uncertain significance. Last evaluated: 2025-11-07. Review status: criteria provided, single submitter. Criteria: Ambry Variant Classification Scheme 2023. Collection method: clinical testing. Allele origin: germline.
Comment: The c.465_477del13insA variant, located in coding exon 1 of the PALLD gene, results from an in-frame deletion of CGTCAACGCCCTG and insertion of A at nucleotide positions 465 to 477. This amino acid region is well conserved in available vertebrate species. The evidence for this gene-disease relationship is limited; therefore, the clinical significance of this alteration is unclear.